The following is an entry in ClinVar:

NM_002764.4(PRPS1):c.191A>T (p.Asn64Ile)

Gene: PRPS1 (phosphoribosyl pyrophosphate synthetase 1; plus strand). Cytogenetic location: Xq22.3.
Variant type: single nucleotide variant.
Coding change: c.191A>T on transcript NM_002764.4 (MANE Select); coding-DNA position 191, A replaced by T.
Protein change: p.Asn64Ile; replaces asparagine 64 with isoleucine.
Molecular consequence: missense variant. On other transcripts: intron variant (1).
Genome position (GRCh38, 1-based): chrX:107,639,363, A>T. VCF-style: chrX-107639363-A-T. GRCh37 (hg19) VCF-style: chrX-106882593-A-T.
Other names: c.-82-5814A>T (NM_001204402.2); short protein forms N64I.
Identifiers: ClinVar variation 2025311 (VCV002025311.4), dbSNP rs2521336593, ClinGen allele CA413804841.

ClinVar aggregate classification (germline): Uncertain significance (1 of 4 stars; one submission).

Conditions:
Charcot-Marie-Tooth Neuropathy X. Identifiers: MedGen CN118851.

Submission:

Labcorp Genetics (formerly Invitae), Labcorp
Classification: Uncertain significance for Charcot-Marie-Tooth Neuropathy X. Last evaluated: 2022-08-23. Review status: criteria provided, single submitter. Criteria: Invitae Variant Classification Sherloc (09022015). Collection method: clinical testing. Allele origin: germline.
Comment: Algorithms developed to predict the effect of missense changes on protein structure and function are either unavailable or do not agree on the potential impact of this missense change (SIFT: "Deleterious"; PolyPhen-2: "Probably Damaging"; Align-GVGD: "Class C15"). This variant has not been reported in the literature in individuals affected with PRPS1-related conditions. This variant is not present in population databases (gnomAD no frequency). This sequence change replaces asparagine, which is neutral and polar, with isoleucine, which is neutral and non-polar, at codon 64 of the PRPS1 protein (p.Asn64Ile). In summary, the available evidence is currently insufficient to determine the role of this variant in disease. Therefore, it has been classified as a Variant of Uncertain Significance.